The following is an entry in ClinVar:

NM_000245.4(MET):c.1979C>A (p.Thr660Lys)

Gene: MET (MET proto-oncogene, receptor tyrosine kinase; plus strand). Cytogenetic location: 7q31.2.
Variant type: single nucleotide variant.
Coding change: c.1979C>A on transcript NM_000245.4 (MANE Select); coding-DNA position 1979, C replaced by A.
Protein change: p.Thr660Lys; replaces threonine 660 with lysine.
Molecular consequence: missense variant.
Genome position (GRCh38, 1-based): chr7:116,757,651, C>A. VCF-style: chr7-116757651-C-A. GRCh37 (hg19) VCF-style: chr7-116397705-C-A.
Other names: c.1979C>A, p.Thr660Lys (NM_001127500.3, NM_001324401.3); c.689C>A, p.Thr230Lys (NM_001324402.2); short protein forms T230K, T660K.
Identifiers: ClinVar variation 2729187 (VCV002729187.3), dbSNP rs1584941563, ClinGen allele CA368979625.

ClinVar aggregate classification (germline): Uncertain significance (1 of 4 stars; one submission).

Conditions:
Renal cell carcinoma. Identifiers: Orphanet 217071, MedGen C0007134, MeSH D002292, MONDO:0005086, HP:0005584.

Submission:

Labcorp Genetics (formerly Invitae), Labcorp
Classification: Uncertain significance for Renal cell carcinoma. Last evaluated: 2024-04-22. Review status: criteria provided, single submitter. Criteria: Invitae Variant Classification Sherloc (09022015). Collection method: clinical testing. Allele origin: germline.
Comment: This sequence change replaces threonine, which is neutral and polar, with lysine, which is basic and polar, at codon 660 of the MET protein (p.Thr660Lys). This variant is not present in population databases (gnomAD no frequency). This variant has not been reported in the literature in individuals affected with MET-related conditions. Advanced modeling of protein sequence and biophysical properties (such as structural, functional, and spatial information, amino acid conservation, physicochemical variation, residue mobility, and thermodynamic stability) performed at Invitae indicates that this missense variant is not expected to disrupt MET protein function with a negative predictive value of 80%. In summary, the available evidence is currently insufficient to determine the role of this variant in disease. Therefore, it has been classified as a Variant of Uncertain Significance.